The following is an entry in ClinVar:

NM_032119.4(ADGRV1):c.2023dup (p.Ile675fs)

Gene: ADGRV1 (adhesion G protein-coupled receptor V1; plus strand). Cytogenetic location: 5q14.3.
Variant type: Duplication.
Coding change: c.2023dup on transcript NM_032119.4 (MANE Select); coding-DNA position 2023, one base duplicated (A; older notation c.2023dupA).
Protein change: p.Ile675fs; shifts the reading frame from isoleucine 675.
Molecular consequence: frameshift variant. On other transcripts: non-coding transcript variant (1).
Genome position (GRCh38, 1-based): chr5:90,637,731, A duplicated. VCF-style (leftmost placement, unchanged base first): chr5-90637730-C-CA. GRCh37 (hg19) VCF-style: chr5-89933547-C-CA.
Other names: short protein forms I675fs.
Identifiers: ClinVar variation 1418387 (VCV001418387.6), dbSNP rs2149409476, ClinGen allele CA2573139985.

ClinVar aggregate classification (germline): Pathogenic (1 of 4 stars; one submission).

Submission:

Labcorp Genetics (formerly Invitae), Labcorp
Classification: Pathogenic. Last evaluated: 2025-04-17. Review status: criteria provided, single submitter. Criteria: Invitae Variant Classification Sherloc (09022015). Collection method: clinical testing. Allele origin: germline.
Comment: This sequence change creates a premature translational stop signal (p.Ile675Asnfs*9) in the ADGRV1 gene. It is expected to result in an absent or disrupted protein product. Loss-of-function variants in ADGRV1 are known to be pathogenic (PMID: 19357117, 22135276, 22147658, 26226137, 30718709, 31047384, 32467589). This variant is not present in population databases (gnomAD no frequency). This variant has not been reported in the literature in individuals affected with ADGRV1-related conditions. ClinVar contains an entry for this variant (Variation ID: 1418387). For these reasons, this variant has been classified as Pathogenic.

Literature cited by the submitters: PubMed 19357117; PubMed 22135276; PubMed 22147658; PubMed 26226137; PubMed 30718709; PubMed 31047384; PubMed 32467589.